The following is an entry in ClinVar:

NM_001165963.4(SCN1A):c.1055_1056del (p.Val352fs)

Gene: SCN1A (sodium voltage-gated channel alpha subunit 1; minus strand). Cytogenetic location: 2q24.3.
Variant type: Microsatellite.
Coding change: c.1055_1056del on transcript NM_001165963.4 (MANE Select); coding-DNA positions 1055 to 1056, 2 bases deleted (TG; older notation c.1055_1056delTG).
Protein change: p.Val352fs; shifts the reading frame from valine 352.
Molecular consequence: frameshift variant. On other transcripts: 5 prime UTR variant (1), non-coding transcript variant (1).
Genome position (GRCh38, 1-based): chr2:166,047,741-166,047,742, CA deleted on the plus strand (TG on the coding strand, the reverse complement: SCN1A is on the minus strand); deleting any 2 consecutive bases within chr2:166,047,741-166,047,748 gives the same sequence; the c. name uses the placement nearest the transcript's 3' end. VCF-style (leftmost placement, unchanged base first): chr2-166047740-TCA-T. GRCh37 (hg19) VCF-style: chr2-166904250-TCA-T.
Other names: c.1055_1056del, p.Val352fs (NM_001165964.3, NM_001202435.3, NM_001353948.2 and 10 more transcripts); c.-1377TG[3] (NM_001353961.2); short protein forms V352fs.
Identifiers: ClinVar variation 189930 (VCV000189930.1), dbSNP rs794726767, ClinGen allele CA303337.

ClinVar aggregate classification (germline): Pathogenic (1 of 4 stars; one submission).

Conditions:
Severe myoclonic epilepsy in infancy (DRVT). Also called: Epileptic encephalopathy, early infantile, 6 (Dravet syndrome); SEVERE MYOCLONIC EPILEPSY OF INFANCY; DEVELOPMENTAL AND EPILEPTIC ENCEPHALOPATHY 6A; Severe Myoclonic Epilepsy in Infancy (SMEI); Dravet syndrome. Identifiers: Orphanet 33069, MedGen C0751122, MONDO:0100135, OMIM 607208.

Submission:

Center for Bioinformatics, Peking University
Classification: Pathogenic for Dravet syndrome. Last evaluated: 2014-12-20. Review status: criteria provided, single submitter. Criteria: Xu et al. (Hum Mutat. 2015). Collection method: research. Allele origin: de novo. Affected: yes. Observed: 1 variant allele. Study: University Clinical Cooperation “985 Project” PKU-2014-1-1.
Comment: Dravet syndrome (DS) probands were recruited from the outpatient and inpatient child neurology units of Peking University First Hospital from 2005 till present. The study was approved by the Ethics Committee of Peking University First Hospital and the Institutional Review Board at Peking University. Participants or their parents provided written informed consent before enrollment. We collected a total of 267 mutations from 255 families with probands diagnosed with DS in China. All probands fulfilled the clinical diagnostic criteria.